The following is an entry in ClinVar:

ClinVar aggregate classification (germline): Uncertain significance (1 of 4 stars; one submission).

Conditions:
Inborn genetic diseases. Identifiers: MedGen C0950123, MeSH D030342.

Submission:

Ambry Genetics
Classification: Uncertain significance for Inborn genetic diseases. Last evaluated: 2022-08-23. Review status: criteria provided, single submitter. Criteria: Ambry Variant Classification Scheme 2023. Collection method: clinical testing. Allele origin: germline.
Comment: The p.P24S variant (also known as c.70C>T), located in coding exon 1 of the RAD51 gene, results from a C to T substitution at nucleotide position 70. The proline at codon 24 is replaced by serine, an amino acid with similar properties. This amino acid position is conserved. In addition, this alteration is predicted to be tolerated by in silico analysis. Since supporting evidence is limited at this time, the clinical significance of this alteration remains unclear.

NM_002875.5(RAD51):c.70C>T (p.Pro24Ser)

Gene: RAD51 (RAD51 recombinase; plus strand). Cytogenetic location: 15q15.1.
Variant type: single nucleotide variant.
Coding change: c.70C>T on transcript NM_002875.5 (MANE Select); coding-DNA position 70, C replaced by T.
Protein change: p.Pro24Ser; replaces proline 24 with serine.
Molecular consequence: missense variant.
Genome position (GRCh38, 1-based): chr15:40,698,828, C>T. VCF-style: chr15-40698828-C-T. GRCh37 (hg19) VCF-style: chr15-40991026-C-T.
Other names: c.70C>T, p.Pro24Ser (NM_001164269.2, NM_001164270.2, NM_133487.4); short protein forms P24S.
Identifiers: ClinVar variation 1757166 (VCV001757166.2), dbSNP rs2504406579, ClinGen allele CA391744510.
Genomic context (GRCh38, chr15:40,698,828, plus strand): 5'-CAGATGCAGCTTGAAGCAAATGCAGATACTTCAGTGGAAGAAGAAAGCTTTGGCCCACAA[C>T]CCATTTCACGGTTAGAGGTATGTGGTTAGTTGCTAATTTTGGAATTATATACTAGATTCT-3'
Protein context (NP_002866.2, residues 14-34): SVEEESFGPQ[Pro24Ser]ISRLEQCGIN